The following is an entry in ClinVar:

ClinVar aggregate classification (germline): Pathogenic (1 of 4 stars; one submission).

Conditions:
Deficiency of acetyl-CoA acetyltransferase. Also called: Beta-ketothiolase deficiency; 3-KETOTHIOLASE DEFICIENCY; 3-OXOTHIOLASE DEFICIENCY; MITOCHONDRIAL ACETOACETYL-CoA THIOLASE DEFICIENCY. Identifiers: Orphanet 134, MedGen C1536500, MONDO:0008760, OMIM 203750. Disease mechanism: loss of function.

Submission:

Labcorp Genetics (formerly Invitae), Labcorp
Classification: Pathogenic for Deficiency of acetyl-CoA acetyltransferase. Last evaluated: 2022-03-03. Review status: criteria provided, single submitter. Criteria: Invitae Variant Classification Sherloc (09022015). Collection method: clinical testing. Allele origin: germline.
Comment: This variant has not been reported in the literature in individuals affected with ACAT1-related conditions. This variant is not present in population databases (gnomAD no frequency). This sequence change creates a premature translational stop signal (p.Lys181Argfs*5) in the ACAT1 gene. It is expected to result in an absent or disrupted protein product. Loss-of-function variants in ACAT1 are known to be pathogenic (PMID: 7749408). Algorithms developed to predict the effect of sequence changes on RNA splicing suggest that this variant may create or strengthen a splice site. For these reasons, this variant has been classified as Pathogenic.

Literature cited by the submitters: PubMed 7749408.

NM_000019.4(ACAT1):c.542_543del (p.Lys181fs)

Gene: ACAT1 (acetyl-CoA acetyltransferase 1; plus strand). Cytogenetic location: 11q22.3.
Variant type: Deletion.
Coding change: c.542_543del on transcript NM_000019.4 (MANE Select); coding-DNA positions 542 to 543, 2 bases deleted (AA; older notation c.542_543delAA).
Protein change: p.Lys181fs; shifts the reading frame from lysine 181.
Molecular consequence: frameshift variant. On other transcripts: non-coding transcript variant (2).
Genome position (GRCh38, 1-based): chr11:108,139,004-108,139,005, AA deleted; deleting any 2 consecutive bases within chr11:108,139,002-108,139,005 gives the same sequence; the c. name uses the placement nearest the transcript's 3' end. VCF-style (leftmost placement, unchanged base first): chr11-108139001-TAA-T. GRCh37 (hg19) VCF-style: chr11-108009728-TAA-T.
Other names: c.542_543del, p.Lys181fs (NM_001386677.1); c.227_228del, p.Lys76fs (NM_001386678.1); c.245_246del, p.Lys82fs (NM_001386679.1); c.272_273del, p.Lys91fs (NM_001386681.1, NM_001386682.1, NM_001386685.1 and 6 more transcripts); short protein forms K82fs, K91fs, K181fs, K76fs.
Identifiers: ClinVar variation 2099256 (VCV002099256.4), dbSNP rs2496613617, ClinGen allele CA2580082938.
Genomic context (GRCh38, chr11:108,139,001, plus strand): 5'-CATATGTAATGAACAGAGGATCAACACCATATGGTGGGGTAAAGCTTGAAGATTTGATTG[TAA>T]AAGACGGGCTAACTGATGTCTACAATAAAATTCATATGGTAAATGTGATTTTTAGTGGAT-3'